The following is an entry in ClinVar:

ClinVar aggregate classification (germline): Benign (1 of 4 stars; one submission).

gnomAD v4.1: 47,677 of 152,174 alleles (31%); highest among the groups gnomAD compares: Non-Finnish European, 42%; 9,116 homozygotes.

Submission:

Unidad de Genómica Garrahan, Hospital de Pediatría Garrahan
Classification: Benign. Last evaluated: 2024-07-31. Review status: criteria provided, single submitter. Criteria: ACMG Guidelines, 2015. Collection method: clinical testing. Allele origin: germline. Affected: no. Observed: 51 variant alleles.
Comment: This variant is classified as Benign based on local population frequency. This variant was detected in 55% of patients studied in a panel designed for Epileptic and Developmental Encephalopathy, Progressive Myoclonus Epilepsy and Abnormal Movements and Neurodegeneration with brain iron accumulation. Number of patients: 51. Only high quality variants are reported.

NM_006567.5(FARS2):c.1217+37690T>C

Gene: FARS2 (phenylalanyl-tRNA synthetase 2, mitochondrial; plus strand). Cytogenetic location: 6p25.1.
Variant type: single nucleotide variant.
Coding change: c.1217+37690T>C on transcript NM_006567.5 (MANE Select); 37690 bases into the intron after coding-DNA position 1217, T replaced by C.
Molecular consequence: intron variant.
Genome position (GRCh38, 1-based): chr6:5,651,010, T>C. VCF-style: chr6-5651010-T-C. GRCh37 (hg19) VCF-style: chr6-5651243-T-C.
Other names: c.1217+37690T>C (NM_001374878.1, NM_001318872.2, NM_001374877.1 and 4 more transcripts); c.1085+37690T>C (NM_001375258.1); c.521+37690T>C (NM_001375260.1, NM_001375259.1).
Identifiers: ClinVar variation 3256802 (VCV003256802.2).